The following is an entry in ClinVar:

NM_002875.5(RAD51):c.230A>G (p.Glu77Gly)

Gene: RAD51 (RAD51 recombinase; plus strand). Cytogenetic location: 15q15.1.
Variant type: single nucleotide variant.
Coding change: c.230A>G on transcript NM_002875.5 (MANE Select); coding-DNA position 230, A replaced by G.
Protein change: p.Glu77Gly; replaces glutamic acid 77 with glycine.
Molecular consequence: missense variant. On other transcripts: intron variant (2).
Genome position (GRCh38, 1-based): chr15:40,706,181, A>G. VCF-style: chr15-40706181-A-G. GRCh37 (hg19) VCF-style: chr15-40998379-A-G.
Other names: c.230A>G, p.Glu77Gly (NM_001164270.2); c.347-2844A>G (NM_133487.4, NM_001164269.2); short protein forms E77G.
Identifiers: ClinVar variation 2624694 (VCV002624694.2), dbSNP rs1218843632, ClinGen allele CA391749273.

ClinVar aggregate classification (germline): Uncertain significance (1 of 4 stars; one submission).

Conditions:
Inborn genetic diseases. Identifiers: MedGen C0950123, MeSH D030342.

Allele frequency attached by ClinVar (database versions not stated): TOPMed below 0.00001; gnomAD 0.00001.

Submission:

Ambry Genetics
Classification: Uncertain significance for Inborn genetic diseases. Last evaluated: 2023-07-12. Review status: criteria provided, single submitter. Criteria: Ambry Variant Classification Scheme 2023. Collection method: clinical testing. Allele origin: germline.
Comment: The p.E77G variant (also known as c.230A>G), located in coding exon 3 of the RAD51 gene, results from an A to G substitution at nucleotide position 230. The glutamic acid at codon 77 is replaced by glycine, an amino acid with similar properties. This amino acid position is conserved. In addition, the in silico prediction for this alteration is inconclusive. Since supporting evidence is limited at this time, the clinical significance of this alteration remains unclear.